The following is an entry in ClinVar:

NM_007227.3(GPR45):c.290C>A (p.Thr97Asn)

Gene: GPR45 (G protein-coupled receptor 45; plus strand). Cytogenetic location: 2q12.1.
Variant type: single nucleotide variant.
Coding change: c.290C>A on transcript NM_007227.3 (MANE Select); coding-DNA position 290, C replaced by A.
Protein change: p.Thr97Asn; replaces threonine 97 with asparagine.
Molecular consequence: missense variant.
Genome position (GRCh38, 1-based): chr2:105,242,148, C>A. VCF-style: chr2-105242148-C-A. GRCh37 (hg19) VCF-style: chr2-105858605-C-A.
Other names: short protein forms T97N.
Identifiers: ClinVar variation 2199257 (VCV002199257.4), dbSNP rs2104541331, ClinGen allele CA348099730.

ClinVar aggregate classification (germline): Uncertain significance (1 of 4 stars; one submission).

Allele frequency attached by ClinVar (database versions not stated): gnomAD exomes below 0.00001.
gnomAD v4.1: 1 of 1,614,206 alleles (0.000062%); highest among the groups gnomAD compares: Non-Finnish European, 0.000085%; no homozygotes.

Submission:

Labcorp Genetics (formerly Invitae), Labcorp
Classification: Uncertain significance. Last evaluated: 2025-07-22. Review status: criteria provided, single submitter. Criteria: Invitae Variant Classification Sherloc (09022015). Collection method: clinical testing. Allele origin: germline.
Comment: This sequence change replaces threonine, which is neutral and polar, with asparagine, which is neutral and polar, at codon 97 of the GPR45 protein (p.Thr97Asn). This variant is not present in population databases (gnomAD no frequency). This variant has not been reported in the literature in individuals affected with GPR45-related conditions. ClinVar contains an entry for this variant (Variation ID: 2199257). An algorithm developed to predict the effect of missense changes on protein structure and function (PolyPhen-2) suggests that this variant is likely to be tolerated. In summary, the available evidence is currently insufficient to determine the role of this variant in disease. Therefore, it has been classified as a Variant of Uncertain Significance.